The following is an entry in ClinVar:

NM_001378778.1(MPDZ):c.3946T>C (p.Ser1316Pro)

Gene: MPDZ (multiple PDZ domain crumbs cell polarity complex component; minus strand). Cytogenetic location: 9p23.
Variant type: single nucleotide variant.
Coding change: c.3946T>C on transcript NM_001378778.1 (MANE Select); coding-DNA position 3946, T replaced by C.
Protein change: p.Ser1316Pro; replaces serine 1316 with proline.
Molecular consequence: missense variant.
Genome position (GRCh38, 1-based): chr9:13,140,044, A>G on the plus strand (T>C on the coding strand, the complement: MPDZ is on the minus strand). VCF-style: chr9-13140044-A-G. GRCh37 (hg19) VCF-style: chr9-13140043-A-G.
Other names: c.3847T>C, p.Ser1283Pro (NM_001261406.2, NM_001261407.2, NM_001375416.1 and 3 more transcripts); c.3946T>C, p.Ser1316Pro (NM_001330637.2, NM_001375413.1, NM_003829.5); c.3736T>C, p.Ser1246Pro (NM_001375420.1, NM_001375421.1, NM_001375422.1 and 4 more transcripts); c.3538T>C, p.Ser1180Pro (NM_001375427.1); short protein forms S1246P, S1180P, S1283P, S1316P.
Identifiers: ClinVar variation 1524437 (VCV001524437.6), dbSNP rs2132455433, ClinGen allele CA372949579.
Genomic context (GRCh38, chr9:13,140,044, plus strand): 5'-TACTCCAGCTGTAACCAAACTCATCCTCTTTGTCCACATCTTGTGAGATTTTGCTTGCAG[A>G]TGACTGTGTGTGATCACTACCCATTTCGGCAAAGGCTGAAGGAGGGGGTGGGGGCACACT-3'
Protein context (NP_001365707.1, residues 1306-1326): AEMGSDHTQS[Ser1316Pro]ASKISQDVDK

ClinVar aggregate classification (germline): Uncertain significance (1 of 4 stars; one submission).

Submission:

Labcorp Genetics (formerly Invitae), Labcorp
Classification: Uncertain significance. Last evaluated: 2022-07-26. Review status: criteria provided, single submitter. Criteria: Invitae Variant Classification Sherloc (09022015). Collection method: clinical testing. Allele origin: germline.
Comment: This sequence change replaces serine, which is neutral and polar, with proline, which is neutral and non-polar, at codon 1316 of the MPDZ protein (p.Ser1316Pro). This variant is not present in population databases (gnomAD no frequency). This variant has not been reported in the literature in individuals affected with MPDZ-related conditions. ClinVar contains an entry for this variant (Variation ID: 1524437). Algorithms developed to predict the effect of missense changes on protein structure and function (SIFT, PolyPhen-2, Align-GVGD) all suggest that this variant is likely to be tolerated. In summary, the available evidence is currently insufficient to determine the role of this variant in disease. Therefore, it has been classified as a Variant of Uncertain Significance.